The following is an entry in ClinVar:

ClinVar aggregate classification (germline): Likely benign (0 of 4 stars; one submission).

Conditions:
TIAM1-related disorder. Also called: TIAM1-related condition.

Allele frequency attached by ClinVar (database versions not stated): gnomAD exomes 0.00005; ExAC 0.00007; gnomAD 0.00010; TOPMed 0.00014; ESP Exome Variant Server 0.00015; 1000 Genomes Project 30x 0.00016; 1000 Genomes Project 0.00020.
gnomAD v4.1: 85 of 1,614,068 alleles (0.0053%); highest among the groups gnomAD compares: Middle Eastern, 0.016%; no homozygotes.

Submission:

PreventionGenetics, part of Exact Sciences
Classification: Likely benign for TIAM1-related condition. Last evaluated: 2019-05-24. Review status: no assertion criteria provided. Collection method: clinical testing. Allele origin: germline.
Comment: This variant is classified as likely benign based on ACMG/AMP sequence variant interpretation guidelines (Richards et al. 2015 PMID: 25741868, with internal and published modifications).

NM_001353694.2(TIAM1):c.3438C>T (p.Cys1146=)

Gene: TIAM1 (TIAM Rac1 associated GEF 1; minus strand). Cytogenetic location: 21q22.11.
Variant type: single nucleotide variant.
Coding change: c.3438C>T on transcript NM_001353694.2 (MANE Select); coding-DNA position 3438, C replaced by T.
Protein change: p.Cys1146=; no amino-acid change (cysteine 1146 retained).
Molecular consequence: synonymous variant.
Genome position (GRCh38, 1-based): chr21:31,146,932, G>A on the plus strand (C>T on the coding strand, the complement: TIAM1 is on the minus strand). VCF-style: chr21-31146932-G-A. GRCh37 (hg19) VCF-style: chr21-32519250-G-A.
Other names: c.537C>T, p.Cys179= (NM_001353684.2); c.462C>T, p.Cys154= (NM_001353685.2); c.3363C>T, p.Cys1121= (NM_001353686.2, NM_001353687.2); c.3438C>T, p.Cys1146= (NM_001353688.1, NM_001353689.1, NM_001353690.1 and 4 more transcripts).
Identifiers: ClinVar variation 3038441 (VCV003038441.2), dbSNP rs141775592, ClinGen allele CA9997814.
Genomic context (GRCh38, chr21:31,146,932, plus strand): 5'-CTCCACATCCTCAGAGGCCTTACCTTTCACCAGGACCTTGGGAACTTTTGTGTGGCTGGC[G>A]CAGAAGGCACTGTAGAGCTTGAAGCGGTCAGCATAATACAGGAATGATCCCCCCAGAGAG-3'
Protein context (NP_001340623.1, residues 1136-1156): ADRFKLYSAF[Cys1146=]ASHTKVPKVL